The following is an entry in ClinVar:

NM_003136.4(SRP54):c.956T>G (p.Ile319Arg)

Gene: SRP54 (signal recognition particle 54; plus strand). Cytogenetic location: 14q13.2.
Variant type: single nucleotide variant.
Coding change: c.956T>G on transcript NM_003136.4 (MANE Select); coding-DNA position 956, T replaced by G.
Protein change: p.Ile319Arg; replaces isoleucine 319 with arginine.
Molecular consequence: missense variant.
Genome position (GRCh38, 1-based): chr14:35,014,813, T>G. VCF-style: chr14-35014813-T-G. GRCh37 (hg19) VCF-style: chr14-35484019-T-G.
Other names: c.809T>G, p.Ile270Arg (NM_001146282.2); c.956T>G, p.Ile319Arg (NM_001411017.1); short protein forms I270R, I319R.
Identifiers: ClinVar variation 3900463 (VCV003900463.1).
Genomic context (GRCh38, chr14:35,014,813, plus strand): 5'-ACATTGAAGGACTGATAGATAAAGTCAACGAGTTGAAGTTGGATGACAATGAAGCACTTA[T>G]AGAGAAGTTGAAACATGGTATATGAGTGACAAAAAAGCACTTCATCTCAGATTTCTTCCA-3'
Protein context (NP_003127.1, residues 309-329): ELKLDDNEAL[Ile319Arg]EKLKHGQFTL

ClinVar aggregate classification (germline): Uncertain significance (1 of 4 stars; one submission).

Submission:

GeneDx
Classification: Uncertain significance. Last evaluated: 2024-11-22. Review status: criteria provided, single submitter. Criteria: GeneDx Variant Classification Process June 2021. Collection method: clinical testing. Allele origin: germline. Affected: yes.
Comment: Not observed at significant frequency in large population cohorts (gnomAD); In silico analysis supports that this missense variant has a deleterious effect on protein structure/function; Has not been previously published as pathogenic or benign to our knowledge